The following is an entry in ClinVar:

ClinVar aggregate classification (germline): Uncertain significance (1 of 4 stars; one submission).

Conditions:
Galactosylceramide beta-galactosidase deficiency. Also called: Krabbe Disease; Leukodystrophy, Globoid Cell; GALACTOCEREBROSIDASE DEFICIENCY; GALC DEFICIENCY; GLOBOID CELL LEUKOENCEPHALOPATHY. Identifiers: Orphanet 487, MedGen C0023521, MONDO:0009499, OMIM 245200.

Submission:

Labcorp Genetics (formerly Invitae), Labcorp
Classification: Uncertain significance for Galactosylceramide beta-galactosidase deficiency. Last evaluated: 2022-11-26. Review status: criteria provided, single submitter. Criteria: Invitae Variant Classification Sherloc (09022015). Collection method: clinical testing. Allele origin: germline.
Comment: This sequence change replaces serine, which is neutral and polar, with isoleucine, which is neutral and non-polar, at codon 453 of the GALC protein (p.Ser453Ile). This variant is not present in population databases (gnomAD no frequency). This variant has not been reported in the literature in individuals affected with GALC-related conditions. ClinVar contains an entry for this variant (Variation ID: 1384012). Advanced modeling of protein sequence and biophysical properties (such as structural, functional, and spatial information, amino acid conservation, physicochemical variation, residue mobility, and thermodynamic stability) performed at Invitae indicates that this missense variant is not expected to disrupt GALC protein function. In summary, the available evidence is currently insufficient to determine the role of this variant in disease. Therefore, it has been classified as a Variant of Uncertain Significance.

NM_000153.4(GALC):c.1358G>T (p.Ser453Ile)

Gene: GALC (galactosylceramidase; minus strand). Cytogenetic location: 14q31.3.
Variant type: single nucleotide variant.
Coding change: c.1358G>T on transcript NM_000153.4 (MANE Select); coding-DNA position 1358, G replaced by T.
Protein change: p.Ser453Ile; replaces serine 453 with isoleucine.
Molecular consequence: missense variant.
Genome position (GRCh38, 1-based): chr14:87,947,859, C>A on the plus strand (G>T on the coding strand, the complement: GALC is on the minus strand). VCF-style: chr14-87947859-C-A. GRCh37 (hg19) VCF-style: chr14-88414203-C-A.
Other names: c.1289G>T, p.Ser430Ile (NM_001201401.2); c.1280G>T, p.Ser427Ile (NM_001201402.2); short protein forms S427I, S453I, S430I.
Identifiers: ClinVar variation 1384012 (VCV001384012.6), dbSNP rs2139956768, ClinGen allele CA390746642.